The following is an entry in ClinVar:

NM_001378120.1(MBD5):c.113+221A>G

Gene: MBD5 (methyl-CpG binding domain protein 5; plus strand). Cytogenetic location: 2q23.1.
Variant type: single nucleotide variant.
Coding change: c.113+221A>G on transcript NM_001378120.1 (MANE Select); 221 bases into the intron after coding-DNA position 113, A replaced by G.
Molecular consequence: intron variant.
Genome position (GRCh38, 1-based): chr2:148,459,092, A>G. VCF-style: chr2-148459092-A-G. GRCh37 (hg19) VCF-style: chr2-149216661-A-G.
Other names: c.113+221A>G (NM_018328.5).
Identifiers: ClinVar variation 683131 (VCV000683131.1), dbSNP rs10928397, ClinGen allele CA57565491.

ClinVar aggregate classification (germline): Benign (1 of 4 stars; one submission).

Allele frequency attached by ClinVar (database versions not stated): gnomAD 0.19908 and 0.20822; TOPMed 0.20870; 1000 Genomes Project 30x 0.27623; 1000 Genomes Project 0.27935.
gnomAD v4.1: 31,796 of 152,092 alleles (21%); highest among the groups gnomAD compares: East Asian, 50%; 4,297 homozygotes.

Submission:

GeneDx
Classification: Benign. Last evaluated: 2018-06-14. Review status: criteria provided, single submitter. Criteria: GeneDx Variant Classification (06012015). Collection method: clinical testing. Allele origin: germline. Affected: yes.
Comment: This variant is considered likely benign or benign based on one or more of the following criteria: it is a conservative change, it occurs at a poorly conserved position in the protein, it is predicted to be benign by multiple in silico algorithms, and/or has population frequency not consistent with disease.